The following is an entry in ClinVar:

ClinVar aggregate classification (germline): Pathogenic (1 of 4 stars; one submission).

Submission:

GeneDx
Classification: Pathogenic. Last evaluated: 2025-06-04. Review status: criteria provided, single submitter. Criteria: GeneDx Variant Classification Process June 2021. Collection method: clinical testing. Allele origin: germline. Affected: yes.
Comment: Initiation codon variant in a gene for which loss of function is a known mechanism of disease; Not observed at significant frequency in large population cohorts (gnomAD); Has not been previously published as pathogenic or benign to our knowledge

NM_002608.4(PDGFB):c.2T>G (p.Met1Arg)

Gene: PDGFB (platelet derived growth factor subunit B; minus strand). Cytogenetic location: 22q13.1.
Variant type: single nucleotide variant.
Coding change: c.2T>G on transcript NM_002608.4 (MANE Select); coding-DNA position 2, T replaced by G.
Protein change: p.Met1Arg; changes the start codon (methionine 1).
Molecular consequence: missense variant, initiator codon variant.
Genome position (GRCh38, 1-based): chr22:39,243,962, A>C on the plus strand (T>G on the coding strand, the complement: PDGFB is on the minus strand). VCF-style: chr22-39243962-A-C. GRCh37 (hg19) VCF-style: chr22-39639967-A-C.
Other names: short protein forms M1R.
Identifiers: ClinVar variation 379331 (VCV000379331.5), dbSNP rs1057520576, ClinGen allele CA16608172.
Genomic context (GRCh38, chr22:39,243,962, plus strand): 5'-TCGGCGCTGACCAGACGCAGGTAGCAGCAGAGAGACAGGAAGAGCGCCCAGCAGCGATTC[A>C]TGCCGACTCCGGGCCCGGCCCCGCGGGGCCCCGGACGCGTAGATCGAGCGCGCCGCCCCC-3'
Protein context (NP_002599.1, residues 1-11): [Met1Arg]NRCWALFLSL